The following is an entry in ClinVar:

ClinVar aggregate classification (germline): Uncertain significance. Review status: criteria provided, multiple submitters, no conflicts (2 of 4 stars). 2 submissions from 2 submitters: Uncertain significance (2). Last evaluated 2025-05-15.

Conditions:
Autosomal recessive severe congenital neutropenia due to CSF3R deficiency. Also called: Neutropenia, severe congenital, 7, autosomal recessive. Identifiers: Orphanet 420702, MedGen C4310764, MONDO:0014865, OMIM 617014.

Allele frequency attached by ClinVar (database versions not stated): gnomAD exomes 0.00002 and 0.00008; TOPMed 0.00002; gnomAD 0.00003; ExAC 0.00004; 1000 Genomes Project 0.00020; 1000 Genomes Project 30x 0.00031.
gnomAD v4.1: 35 of 1,614,200 alleles (0.0022%); highest among the groups gnomAD compares: East Asian, 0.065%; no homozygotes.

Submissions (2):

Labcorp Genetics (formerly Invitae), Labcorp
Classification: Uncertain significance for Autosomal recessive severe congenital neutropenia due to CSF3R deficiency. Last evaluated: 2025-05-15. Review status: criteria provided, single submitter. Criteria: Invitae Variant Classification Sherloc (09022015). Collection method: clinical testing. Allele origin: germline.
Comment: This sequence change replaces glutamic acid, which is acidic and polar, with lysine, which is basic and polar, at codon 276 of the CSF3R protein (p.Glu276Lys). This variant is present in population databases (rs201037400, gnomAD 0.1%). This variant has not been reported in the literature in individuals affected with CSF3R-related conditions. ClinVar contains an entry for this variant (Variation ID: 1337145). Invitae Evidence Modeling of protein sequence and biophysical properties (such as structural, functional, and spatial information, amino acid conservation, physicochemical variation, residue mobility, and thermodynamic stability) indicates that this missense variant is not expected to disrupt CSF3R protein function with a negative predictive value of 80%. In summary, the available evidence is currently insufficient to determine the role of this variant in disease. Therefore, it has been classified as a Variant of Uncertain Significance.

Genetic Services Laboratory, University of Chicago
Classification: Uncertain significance. Last evaluated: 2019-05-03. Review status: criteria provided, single submitter. Criteria: ACMG Guidelines, 2015. Collection method: clinical testing. Allele origin: germline. Affected: no.

NM_000760.4(CSF3R):c.826G>A (p.Glu276Lys)

Gene: CSF3R (colony stimulating factor 3 receptor; minus strand). Cytogenetic location: 1p34.3.
Variant type: single nucleotide variant.
Coding change: c.826G>A on transcript NM_000760.4 (MANE Select); coding-DNA position 826, G replaced by A.
Protein change: p.Glu276Lys; replaces glutamic acid 276 with lysine.
Molecular consequence: missense variant.
Genome position (GRCh38, 1-based): chr1:36,472,534, C>T on the plus strand (G>A on the coding strand, the complement: CSF3R is on the minus strand). VCF-style: chr1-36472534-C-T. GRCh37 (hg19) VCF-style: chr1-36938135-C-T.
Other names: c.826G>A, p.Glu276Lys (NM_156039.3, NM_172313.3); short protein forms E276K.
Identifiers: ClinVar variation 1337145 (VCV001337145.8), dbSNP rs201037400, ClinGen allele CA769377.